The following is an entry in ClinVar:

NM_001849.4(COL6A2):c.1117-1G>A

Gene: COL6A2 (collagen type VI alpha 2 chain; plus strand). Cytogenetic location: 21q22.3.
Variant type: single nucleotide variant.
Coding change: c.1117-1G>A on transcript NM_001849.4 (MANE Select); the canonical splice acceptor site of the intron before coding-DNA position 1117, G replaced by A.
Molecular consequence: splice acceptor variant.
Genome position (GRCh38, 1-based): chr21:46,118,613, G>A. VCF-style: chr21-46118613-G-A. GRCh37 (hg19) VCF-style: chr21-47538527-G-A.
Other names: c.1117-1G>A (NM_058175.3, NM_058174.3).
Identifiers: ClinVar variation 3905713 (VCV003905713.10).

ClinVar aggregate classification (germline): Likely pathogenic (1 of 4 stars; one submission).

Submission:

CeGaT Center for Human Genetics Tuebingen
Classification: Likely pathogenic. Last evaluated: 2025-05-01. Review status: criteria provided, single submitter. Criteria: CeGaT Center For Human Genetics Tuebingen Variant Classification Criteria Version 2. Collection method: clinical testing. Allele origin: germline. Affected: yes. Observed: 1 variant allele.
Comment: COL6A2: PVS1:Strong, PM2